The following is an entry in ClinVar:

NM_181507.2(HPS5):c.5C>A (p.Ala2Asp)

Gene: HPS5 (HPS5 biogenesis of lysosomal organelles complex 2 subunit 2; minus strand). Cytogenetic location: 11p15.1.
Variant type: single nucleotide variant.
Coding change: c.5C>A on transcript NM_181507.2 (MANE Select); coding-DNA position 5, C replaced by A.
Protein change: p.Ala2Asp; replaces alanine 2 with aspartic acid.
Molecular consequence: missense variant. On other transcripts: 5 prime UTR variant (3), intron variant (14).
Genome position (GRCh38, 1-based): chr11:18,317,854, G>T on the plus strand (C>A on the coding strand, the complement: HPS5 is on the minus strand). VCF-style: chr11-18317854-G-T. GRCh37 (hg19) VCF-style: chr11-18339401-G-T.
Other names: c.5C>A, p.Ala2Asp (NM_001440902.1, NM_001440903.1, NM_001440904.1 and 9 more transcripts); c.-187C>A (NM_001440907.1, NM_001440908.1, NM_001440918.1); c.-124+4279C>A (NM_001440929.1); c.-235+4279C>A (NM_181508.2, NM_001440921.1); c.-124+4223C>A (NM_001440926.1); c.-235+4223C>A (NM_001440925.1, NM_001440920.1); c.-124+4092C>A (NM_001440928.1, NM_001440922.1); c.-235+4092C>A (NM_001440927.1, NM_001440930.1, NM_007216.4 and 2 more transcripts); and 1 more; short protein forms A2D.
Identifiers: ClinVar variation 452600 (VCV000452600.3), dbSNP rs1554948250, ClinGen allele CA379510206.

ClinVar aggregate classification (germline): Uncertain significance (1 of 4 stars; one submission).

Submission:

GeneDx
Classification: Uncertain significance. Last evaluated: 2020-01-12. Review status: criteria provided, single submitter. Criteria: GeneDx Variant Classification Process June 2021. Collection method: clinical testing. Allele origin: germline. Affected: yes.
Comment: Not observed in large population cohorts (Lek et al., 2016); In silico analysis, which includes protein predictors and evolutionary conservation, supports that this variant does not alter protein structure/function; Has not been previously published as pathogenic or benign to our knowledge